The following is an entry in ClinVar:

NM_006015.6(ARID1A):c.2790T>C (p.Tyr930=)

Gene: ARID1A (AT-rich interaction domain 1A; plus strand). Cytogenetic location: 1p36.11.
Variant type: single nucleotide variant.
Coding change: c.2790T>C on transcript NM_006015.6 (MANE Select); coding-DNA position 2790, T replaced by C.
Protein change: p.Tyr930=; no amino-acid change (tyrosine 930 retained).
Molecular consequence: synonymous variant.
Genome position (GRCh38, 1-based): chr1:26,766,278, T>C. VCF-style: chr1-26766278-T-C. GRCh37 (hg19) VCF-style: chr1-27092769-T-C.
Other names: c.2790T>C, p.Tyr930= (NM_139135.4).
Identifiers: ClinVar variation 2955338 (VCV002955338.5), dbSNP rs765866865, ClinGen allele CA707078.
Genomic context (GRCh38, chr1:26,766,278, plus strand): 5'-TAGGCCGCCAGGCTACCCCAATATGAATCAAGGGGGCATGATGGGAACTGGACCTCCTTA[T>C]GGACAAGGGATTAATAGTATGGCTGGCATGATCAACCCTCAGGGACCCCCATATTCCATG-3'
Protein context (NP_006006.3, residues 920-940): QGGMMGTGPP[Tyr930=]GQGINSMAGM

ClinVar aggregate classification (germline): Likely benign. Review status: criteria provided, single submitter (1 of 4 stars). 2 submissions from 2 submitters: Likely benign (1). 1 of the submissions does not count toward it. Last evaluated 2024-09-06.

Conditions:
ARID1A-related disorder. Also called: ARID1A-related condition.

Allele frequency attached by ClinVar (database versions not stated): gnomAD exomes below 0.00001; ExAC 0.00002; gnomAD 0.00002; TOPMed 0.00005.
gnomAD v4.1: 14 of 1,614,012 alleles (0.00087%); highest among the groups gnomAD compares: South Asian, 0.0066%; no homozygotes.

Submissions (2):

Labcorp Genetics (formerly Invitae), Labcorp
Classification: Likely benign. Last evaluated: 2024-09-06. Review status: criteria provided, single submitter. Criteria: Invitae Variant Classification Sherloc (09022015). Collection method: clinical testing. Allele origin: germline.

PreventionGenetics, part of Exact Sciences
Classification: Likely benign for ARID1A-related condition. Last evaluated: 2023-12-15. Review status: no assertion criteria provided. Collection method: clinical testing. Allele origin: germline. Not counted in ClinVar's aggregate classification.
Comment: This variant is classified as likely benign based on ACMG/AMP sequence variant interpretation guidelines (Richards et al. 2015 PMID: 25741868, with internal and published modifications).